The following is an entry in ClinVar:

ClinVar aggregate classification (germline): Likely pathogenic (1 of 4 stars; one submission).

Conditions:
Congenital disorder of glycosylation type 1E (CDG1E). Also called: CONGENITAL DISORDER OF GLYCOSYLATION, TYPE Ie; CDG Ie. Identifiers: Orphanet 79322, MedGen C1837396, MONDO:0012123, OMIM 608799.

Submission:

Labcorp Genetics (formerly Invitae), Labcorp
Classification: Likely pathogenic for Congenital disorder of glycosylation type 1E. Last evaluated: 2021-04-01. Review status: criteria provided, single submitter. Criteria: Invitae Variant Classification Sherloc (09022015). Collection method: clinical testing. Allele origin: germline.
Comment: In summary, the currently available evidence indicates that the variant is pathogenic, but additional data are needed to prove that conclusively. Therefore, this variant has been classified as Likely Pathogenic. This variant disrupts the p.Gly152 amino acid residue in DPM1. Other variant(s) that disrupt this residue have been determined to be pathogenic (PMID: 23856421, Invitae). This suggests that this residue is clinically significant, and that variants that disrupt this residue are likely to be disease-causing. This variant has not been reported in the literature in individuals with DPM1-related conditions. This variant is a gross deletion of the genomic region encompassing exon(s) 6-7 of the DPM1 gene. This variant would be expected to be in-frame, preserving the integrity of the reading frame.

Literature cited by the submitters: PubMed 23856421.

NC_000020.11:g.(?_50940845)_(50942146_?)del

Genes: ADNP-AS1 (ADNP antisense RNA 1; plus strand), DPM1 (dolichyl-phosphate mannosyltransferase subunit 1, catalytic; minus strand). Cytogenetic location: 20q13.13.
Variant type: Deletion.
Identifiers: ClinVar variation 583717 (VCV000583717.8).